The following is an entry in ClinVar:

ClinVar aggregate classification (germline): Uncertain significance. Review status: criteria provided, multiple submitters, no conflicts (2 of 4 stars). 4 submissions from 4 submitters: Uncertain significance (4). Last evaluated 2025-12-29.

Conditions:
Cardiofaciocutaneous syndrome 4 (CFC4). Also called: MAP2K2-Related Cardiofaciocutaneous Syndrome. Identifiers: Orphanet 1340, MedGen C3809007, MONDO:0014114, OMIM 615280.
RASopathy. Also called: Noonan spectrum disorder; rasopathies. Identifiers: Orphanet 536391, MedGen C5555857, MONDO:0021060.
Cardiovascular phenotype. Identifiers: MedGen CN230736.

Allele frequency attached by ClinVar (database versions not stated): ExAC 0.00003; gnomAD 0.00001; gnomAD exomes 0.00001; TOPMed 0.00002.

Submissions (4):

Clinical Genomics Laboratory, Washington University in St. Louis
Classification: Uncertain significance for Cardiofaciocutaneous syndrome 4. Last evaluated: 2025-12-29. Review status: criteria provided, single submitter. Criteria: ACMG Guidelines, 2015. Collection method: clinical testing. Allele origin: germline.
Comment: A MAP2K2 c.457G>A (p.Gly153Ser) variant was identified at a near heterozygous allelic fraction of 42.5%, a frequency which may be consistent with it being of germline origin. This variant, to our knowledge, has not been reported in the medical literature. It has been reported in the ClinVar database as a germline variant of uncertain significance by three submitters (Variation ID: 1470832). It is observed on 19/1,601,708 alleles in the general population (gnomAD v4.1.0). Computational predictors indicate that the variant is damaging, evidence that correlates with an impact on MAP2K2 function. Due to limited information, and based on ACMG/AMP guidelines for variant interpretation (Richards S et al., PMID: 25741868), the clinical significance of this variant is uncertain at this time..

Ambry Genetics
Classification: Uncertain significance for Cardiovascular phenotype. Last evaluated: 2024-12-29. Review status: criteria provided, single submitter. Criteria: Ambry Variant Classification Scheme 2023. Collection method: clinical testing. Allele origin: germline.
Comment: The p.G153S variant (also known as c.457G>A), located in coding exon 4 of the MAP2K2 gene, results from a G to A substitution at nucleotide position 457. The glycine at codon 153 is replaced by serine, an amino acid with similar properties. This amino acid position is conserved. In addition, this alteration is predicted to be deleterious by in silico analysis. Based on the available evidence, the clinical significance of this variant remains unclear.

Labcorp Genetics (formerly Invitae), Labcorp
Classification: Uncertain significance for RASopathy. Last evaluated: 2024-09-09. Review status: criteria provided, single submitter. Criteria: Invitae Variant Classification Sherloc (09022015). Collection method: clinical testing. Allele origin: germline.
Comment: This sequence change replaces glycine, which is neutral and non-polar, with serine, which is neutral and polar, at codon 153 of the MAP2K2 protein (p.Gly153Ser). The frequency data for this variant in the population databases is considered unreliable, as metrics indicate poor data quality at this position in the gnomAD database. This variant has not been reported in the literature in individuals affected with MAP2K2-related conditions. ClinVar contains an entry for this variant (Variation ID: 1470832). Invitae Evidence Modeling incorporating data from in vitro experimental studies (internal data) indicates that this missense variant is not expected to disrupt MAP2K2 function with a negative predictive value of 95%. In summary, the available evidence is currently insufficient to determine the role of this variant in disease. Therefore, it has been classified as a Variant of Uncertain Significance.

Fulgent Genetics
Classification: Uncertain significance for Cardiofaciocutaneous syndrome 4. Last evaluated: 2024-02-07. Review status: criteria provided, single submitter. Criteria: ACMG Guidelines, 2015. Collection method: clinical testing. Allele origin: germline.

NM_030662.4(MAP2K2):c.457G>A (p.Gly153Ser)

Gene: MAP2K2 (mitogen-activated protein kinase kinase 2; minus strand). Cytogenetic location: 19p13.3.
Variant type: single nucleotide variant.
Coding change: c.457G>A on transcript NM_030662.4 (MANE Select); coding-DNA position 457, G replaced by A.
Protein change: p.Gly153Ser; replaces glycine 153 with serine.
Molecular consequence: missense variant.
Genome position (GRCh38, 1-based): chr19:4,102,447, C>T on the plus strand (G>A on the coding strand, the complement: MAP2K2 is on the minus strand). VCF-style: chr19-4102447-C-T. GRCh37 (hg19) VCF-style: chr19-4102445-C-T.
Other names: c.457G>A (NM_030662.3); short protein forms G153S.
Identifiers: ClinVar variation 1470832 (VCV001470832.11), dbSNP rs772534863, ClinGen allele CA9090960.